The following is an entry in ClinVar:

ClinVar aggregate classification (germline): Pathogenic (1 of 4 stars; one submission).

Allele frequency attached by ClinVar (database versions not stated): gnomAD 0.00001.
gnomAD v4.1: 1 of 1,613,258 alleles (0.000062%); highest among the groups gnomAD compares: East Asian, 0.0022%; no homozygotes.

Submission:

Labcorp Genetics (formerly Invitae), Labcorp
Classification: Pathogenic. Last evaluated: 2021-03-17. Review status: criteria provided, single submitter. Criteria: Invitae Variant Classification Sherloc (09022015). Collection method: clinical testing. Allele origin: germline.
Comment: This sequence change creates a premature translational stop signal (p.Gly258*) in the NPHS1 gene. It is expected to result in an absent or disrupted protein product. Loss-of-function variants in NPHS1 are known to be pathogenic (PMID: 11317351, 11854170, 12039988). This variant is not present in population databases (ExAC no frequency). This variant has been observed in individual(s) with NPHS1-related conditions (PMID: 30963316). ClinVar contains an entry for this variant (Variation ID: 631810). For these reasons, this variant has been classified as Pathogenic.

Literature cited by the submitters: PubMed 11317351; PubMed 11854170; PubMed 12039988; PubMed 30963316.

NM_004646.4(NPHS1):c.772G>T (p.Gly258Ter)

Gene: NPHS1 (NPHS1 adhesion molecule, nephrin; minus strand). Cytogenetic location: 19q13.12.
Variant type: single nucleotide variant.
Coding change: c.772G>T on transcript NM_004646.4 (MANE Select); coding-DNA position 772, G replaced by T.
Protein change: p.Gly258Ter; replaces glycine 258 with a stop codon.
Molecular consequence: nonsense.
Genome position (GRCh38, 1-based): chr19:35,849,304, C>A on the plus strand (G>T on the coding strand, the complement: NPHS1 is on the minus strand). VCF-style: chr19-35849304-C-A. GRCh37 (hg19) VCF-style: chr19-36340206-C-A.
Other names: short protein forms G258*.
Identifiers: ClinVar variation 631810 (VCV000631810.11), dbSNP rs1568456335, ClinGen allele CA405407125.
Genomic context (GRCh38, chr19:35,849,304, plus strand): 5'-ACTGCAGTGTGGCTAAGGGATTACCCCCTCGGGCCACGCACGGCAGCTCCAAGCTCTGTC[C>A]TGCCCGCACGTGCCCCTCATCCAGGCCTGGCCACTCGATGACAGGGGGTCCTGGAGGGAC-3'